The following is an entry in ClinVar:

ClinVar aggregate classification (germline): Uncertain significance (1 of 4 stars; one submission).

Conditions:
Developmental and epileptic encephalopathy, 34 (DEE34). Also called: Early infantile epileptic encephalopathy 34; SLC12A5-Related Epilepsy of Infancy with Migrating Focal Seizures. Identifiers: Orphanet 293181, MedGen C4225257, MONDO:0014718, OMIM 616645.

Submission:

Labcorp Genetics (formerly Invitae), Labcorp
Classification: Uncertain significance for Developmental and epileptic encephalopathy, 34. Last evaluated: 2019-09-06. Review status: criteria provided, single submitter. Criteria: Invitae Variant Classification Sherloc (09022015). Collection method: clinical testing. Allele origin: germline.
Comment: This variant is not present in population databases (ExAC no frequency). This sequence change replaces arginine with histidine at codon 508 of the SLC12A5 protein (p.Arg508His). The arginine residue is highly conserved and there is a small physicochemical difference between arginine and histidine. This variant has not been reported in the literature in individuals with SLC12A5-related conditions. Algorithms developed to predict the effect of missense changes on protein structure and function are either unavailable or do not agree on the potential impact of this missense change (SIFT: "Tolerated"; PolyPhen-2: "Probably Damaging"; Align-GVGD: "Class C0"). In summary, the available evidence is currently insufficient to determine the role of this variant in disease. Therefore, it has been classified as a Variant of Uncertain Significance.

NM_020708.5(SLC12A5):c.1523G>A (p.Arg508His)

Gene: SLC12A5 (solute carrier family 12 member 5; plus strand). Cytogenetic location: 20q13.12.
Variant type: single nucleotide variant.
Coding change: c.1523G>A on transcript NM_020708.5 (MANE Select); coding-DNA position 1523, G replaced by A.
Protein change: p.Arg508His; replaces arginine 508 with histidine.
Molecular consequence: missense variant.
Genome position (GRCh38, 1-based): chr20:46,045,094, G>A. VCF-style: chr20-46045094-G-A. GRCh37 (hg19) VCF-style: chr20-44673733-G-A.
Other names: c.1592G>A, p.Arg531His (NM_001134771.2); short protein forms R508H, R531H.
Identifiers: ClinVar variation 933510 (VCV000933510.10), dbSNP rs2084582477, ClinGen allele CA409195294.